The following is an entry in ClinVar:

NM_014363.6(SACS):c.4710del (p.Ile1571fs)

Gene: SACS (sacsin molecular chaperone; minus strand). Cytogenetic location: 13q12.12.
Variant type: Deletion.
Coding change: c.4710del on transcript NM_014363.6 (MANE Select); coding-DNA position 4710, one base deleted (C; older notation c.4710delC).
Protein change: p.Ile1571fs; shifts the reading frame from isoleucine 1571.
Molecular consequence: frameshift variant.
Genome position (GRCh38, 1-based): chr13:23,339,166, G deleted on the plus strand (C on the coding strand, the reverse complement: SACS is on the minus strand); the first of 3 consecutive G bases (chr13:23,339,166-23,339,168); deleting any one gives the same sequence. VCF-style (leftmost placement, unchanged base first): chr13-23339165-TG-T. GRCh37 (hg19) VCF-style: chr13-23913304-TG-T.
Other names: c.4269del, p.Ile1424fs (NM_001278055.2); c.4737del, p.Ile1580fs (NM_001437336.1); short protein forms I1424fs, I1571fs, I1580fs.
Identifiers: ClinVar variation 4815696 (VCV004815696.1).

ClinVar aggregate classification (germline): Likely pathogenic (1 of 4 stars; one submission).

Conditions:
Charlevoix-Saguenay spastic ataxia (SACS). Also called: AUTOSOMAL RECESSIVE SPASTIC ATAXIA OF CHARLEVOIX-SAGUENAY; Spastic ataxia of Charlevoix-Saguenay; SPASTIC ATAXIA 6, AUTOSOMAL RECESSIVE. Identifiers: Orphanet 98, MedGen C1849140, MONDO:0010041, OMIM 270550.

Submission:

Natera, Inc.
Classification: Likely pathogenic for Charlevoix-Saguenay type spastic ataxia. Last evaluated: 2025-06-30. Review status: criteria provided, single submitter. Criteria: Natera Variant Classification Schema (03/2026). Collection method: clinical testing. Allele origin: germline.
Comment: The c.4710del variant in SACS is a frameshift variant predicted to shift the reading frame beginning at codon 1571 and leads to a stop codon 3 codons downstream. This variant is expected to result in nonsense mediated decay, truncation, or a dysfunctional protein product. This variant is rare in the general population with a frequency below the threshold expected for the associated phenotype(s). Given the available evidence, this variant is classified as Likely Pathogenic.